The following is an entry in ClinVar:

NM_000238.4(KCNH2):c.1982C>T (p.Ala661Val)

Gene: KCNH2 (potassium voltage-gated channel subfamily H member 2; minus strand). Cytogenetic location: 7q36.1.
Variant type: single nucleotide variant.
Coding change: c.1982C>T on transcript NM_000238.4 (MANE Select); coding-DNA position 1982, C replaced by T.
Protein change: p.Ala661Val; replaces alanine 661 with valine.
Molecular consequence: missense variant.
Genome position (GRCh38, 1-based): chr7:150,951,084, G>A on the plus strand (C>T on the coding strand, the complement: KCNH2 is on the minus strand). VCF-style: chr7-150951084-G-A. GRCh37 (hg19) VCF-style: chr7-150648172-G-A.
Other names: c.962C>T, p.Ala321Val (NM_001204798.2, NM_172057.3); c.1694C>T, p.Ala565Val (NM_001406753.1, NM_001406756.1); c.1805C>T, p.Ala602Val (NM_001406755.1); c.1682C>T, p.Ala561Val (NM_001406757.1); c.1982C>T, p.Ala661Val (NM_172056.3); short protein forms A321V, A661V, A561V, A565V, A602V.
Identifiers: ClinVar variation 977179 (VCV000977179.3), dbSNP rs768519164, ClinGen allele CA030276.
Genomic context (GRCh38, chr7:150,951,084, plus strand): 5'-CGCACCCGCAGCATCTGTGTGTGGTAGCGGGCTGTGCCCGAGTACAGCCGCTGGATGATG[G>A]CCGACACGTTGCCGAAGATGCTAGCATACATGAGGGCTGGGGGCGTGGGCACGTGGGGCC-3'
Protein context (NP_000229.1, residues 651-671): MYASIFGNVS[Ala661Val]IIQRLYSGTA

ClinVar aggregate classification (germline): Uncertain significance (0 of 4 stars; one submission).

Conditions:
Sudden cardiac arrest. Identifiers: MedGen C1720824, MONDO:0100511, MONDO:0007264.

Allele frequency attached by ClinVar (database versions not stated): gnomAD 0.00001; gnomAD exomes below 0.00001; ExAC 0.00001.
gnomAD v4.1: 1 of 1,612,716 alleles (0.000062%); highest among the groups gnomAD compares: East Asian, 0.0022%; no homozygotes.

Submission:

Agnes Ginges Centre for Molecular Cardiology, Centenary Institute
Classification: Uncertain significance for Sudden cardiac arrest. Last evaluated: 2020-04-07. Review status: no assertion criteria provided. Collection method: research. Allele origin: germline. Inheritance: Autosomal dominant inheritance. Affected: yes.
Comment: For further information please feel free to contact us.